The following is an entry in ClinVar:

ClinVar aggregate classification (germline): Uncertain significance. Review status: criteria provided, multiple submitters, no conflicts (2 of 4 stars). 2 submissions from 2 submitters: Uncertain significance (2). Last evaluated 2025-07-21.

Conditions:
Developmental and epileptic encephalopathy, 42 (DEE42A). Also called: Epileptic encephalopathy, early infantile, 42; DEVELOPMENTAL AND EPILEPTIC ENCEPHALOPATHY 42A; EPILEPTIC ENCEPHALOPATHY, EARLY INFANTILE, 42A. Identifiers: MedGen C4310716, MONDO:0014917, OMIM 617106.
Episodic ataxia type 2 (EA2). Also called: CEREBELLAR ATAXIA, PAROXYSMAL, ACETAZOLAMIDE-RESPONSIVE; CEREBELLOPATHY, HEREDITARY PAROXYSMAL; EPISODIC ATAXIA, NYSTAGMUS-ASSOCIATED; ACETAZOLAMIDE-RESPONSIVE HEREDITARY PAROXYSMAL CEREBELLAR ATAXIA; ATAXIA, EPISODIC, WITH NYSTAGMUS; ATAXIA, FAMILIAL PAROXYSMAL. Identifiers: Orphanet 97, MedGen C1720416, MONDO:0007163, OMIM 108500.
Migraine, familial hemiplegic, 1. Also called: MIGRAINE, FAMILIAL HEMIPLEGIC 1, WITH PROGRESSIVE CEREBELLAR ATAXIA. Identifiers: Orphanet 569, MedGen C1832884, MONDO:0020756, OMIM 141500, MONDO:0007714.

Allele frequency attached by ClinVar (database versions not stated): gnomAD 0.00001; gnomAD exomes 0.00001; TOPMed 0.00001; ExAC 0.00002.
gnomAD v4.1: 11 of 1,566,014 alleles (0.0007%); highest among the groups gnomAD compares: Non-Finnish European, 0.00088%; no homozygotes.

Submissions (2):

Labcorp Genetics (formerly Invitae), Labcorp
Classification: Uncertain significance for Developmental and epileptic encephalopathy, 42; Episodic ataxia type 2. Last evaluated: 2025-07-21. Review status: criteria provided, single submitter. Criteria: Invitae Variant Classification Sherloc (09022015). Collection method: clinical testing. Allele origin: germline.
Comment: This sequence change replaces serine, which is neutral and polar, with alanine, which is neutral and non-polar, at codon 397 of the CACNA1A protein (p.Ser397Ala). This variant is present in population databases (rs745753973, gnomAD 0.002%). This variant has not been reported in the literature in individuals affected with CACNA1A-related conditions. ClinVar contains an entry for this variant (Variation ID: 968140). Invitae Evidence Modeling of protein sequence and biophysical properties (such as structural, functional, and spatial information, amino acid conservation, physicochemical variation, residue mobility, and thermodynamic stability) indicates that this missense variant is not expected to disrupt CACNA1A protein function with a negative predictive value of 95%. In summary, the available evidence is currently insufficient to determine the role of this variant in disease. Therefore, it has been classified as a Variant of Uncertain Significance.

Women's Health and Genetics/Laboratory Corporation of America, LabCorp
Classification: Uncertain significance. Last evaluated: 2024-01-31. Review status: criteria provided, single submitter. Criteria: LabCorp Variant Classification Summary - May 2015. Collection method: clinical testing. Allele origin: germline.
Comment: Variant summary: CACNA1A c.1189T>G (p.Ser397Ala) results in a conservative amino acid change in the encoded protein sequence. Three of five in-silico tools predict a benign effect of the variant on protein function. The variant allele was found at a frequency of 8e-06 in 249246 control chromosomes (gnomAD). The available data on variant occurrences in the general population are insufficient to allow any conclusion about variant significance. To our knowledge, no occurrence of c.1189T>G in individuals affected with Epileptic Encephalopathy, Early Infantile, 42 and no experimental evidence demonstrating its impact on protein function have been reported. ClinVar contains an entry for this variant (Variation ID: 968140). Based on the evidence outlined above, the variant was classified as uncertain significance.

NM_001127222.2(CACNA1A):c.1189T>G (p.Ser397Ala)

Gene: CACNA1A (calcium voltage-gated channel subunit alpha1 A; minus strand). Cytogenetic location: 19p13.13.
Variant type: single nucleotide variant.
Coding change: c.1189T>G on transcript NM_001127222.2 (MANE Select); coding-DNA position 1189, T replaced by G.
Protein change: p.Ser397Ala; replaces serine 397 with alanine.
Molecular consequence: missense variant.
Genome position (GRCh38, 1-based): chr19:13,334,387, A>C on the plus strand (T>G on the coding strand, the complement: CACNA1A is on the minus strand). VCF-style: chr19-13334387-A-C. GRCh37 (hg19) VCF-style: chr19-13445201-A-C.
Other names: c.1189T>G, p.Ser397Ala (NM_000068.4, NM_001127221.2, NM_001174080.2 and 1 more transcripts); short protein forms S397A.
Identifiers: ClinVar variation 968140 (VCV000968140.12), dbSNP rs745753973, ClinGen allele CA9240903.